The following is an entry in ClinVar:

ClinVar aggregate classification (germline): Uncertain significance (1 of 4 stars; one submission).

Allele frequency attached by ClinVar (database versions not stated): gnomAD exomes below 0.00001.
gnomAD v4.1: 2 of 1,614,092 alleles (0.00012%); highest among the groups gnomAD compares: South Asian, 0.0011%; no homozygotes.

Submission:

Labcorp Genetics (formerly Invitae), Labcorp
Classification: Uncertain significance. Last evaluated: 2021-12-22. Review status: criteria provided, single submitter. Criteria: Invitae Variant Classification Sherloc (09022015). Collection method: clinical testing. Allele origin: germline.
Comment: Algorithms developed to predict the effect of missense changes on protein structure and function are either unavailable or do not agree on the potential impact of this missense change (SIFT: "Not Available"; PolyPhen-2: "Possibly Damaging"; Align-GVGD: "Not Available"). In summary, the available evidence is currently insufficient to determine the role of this variant in disease. Therefore, it has been classified as a Variant of Uncertain Significance. This variant has not been reported in the literature in individuals affected with PDSS1-related conditions. This variant is not present in population databases (gnomAD no frequency). This sequence change replaces tyrosine, which is neutral and polar, with histidine, which is basic and polar, at codon 383 of the PDSS1 protein (p.Tyr383His).

NM_014317.5(PDSS1):c.1147T>C (p.Tyr383His)

Gene: PDSS1 (decaprenyl diphosphate synthase subunit 1; plus strand). Cytogenetic location: 10p12.1.
Variant type: single nucleotide variant.
Coding change: c.1147T>C on transcript NM_014317.5 (MANE Select); coding-DNA position 1147, T replaced by C.
Protein change: p.Tyr383His; replaces tyrosine 383 with histidine.
Molecular consequence: missense variant. On other transcripts: 3 prime UTR variant (1).
Genome position (GRCh38, 1-based): chr10:26,746,372, T>C. VCF-style: chr10-26746372-T-C. GRCh37 (hg19) VCF-style: chr10-27035301-T-C.
Other names: c.*35T>C (NM_001321978.2); c.637T>C, p.Tyr213His (NM_001321979.2); short protein forms Y213H, Y383H.
Identifiers: ClinVar variation 1911229 (VCV001911229.5), dbSNP rs2491661498, ClinGen allele CA376352210.
Genomic context (GRCh38, chr10:26,746,372, plus strand): 5'-GTTTTGTTCTGTATCTTATAGAGTGATGGTGTGCAACAAACAACCTACCTCGCCCAGCAG[T>C]ACTGCCATGAAGCAATAAGAGAGATCAGTAAACTTCGACCATCCCCAGAAAGAGATGCCC-3'
Protein context (NP_055132.2, residues 373-393): VQQTTYLAQQ[Tyr383His]CHEAIREISK